The following is an entry in ClinVar:

NM_003126.4(SPTA1):c.4564A>G (p.Thr1522Ala)

Gene: SPTA1 (spectrin alpha, erythrocytic 1; minus strand). Cytogenetic location: 1q23.1.
Variant type: single nucleotide variant.
Coding change: c.4564A>G on transcript NM_003126.4 (MANE Select); coding-DNA position 4564, A replaced by G.
Protein change: p.Thr1522Ala; replaces threonine 1522 with alanine.
Molecular consequence: missense variant.
Genome position (GRCh38, 1-based): chr1:158,642,855, T>C on the plus strand (A>G on the coding strand, the complement: SPTA1 is on the minus strand). VCF-style: chr1-158642855-T-C. GRCh37 (hg19) VCF-style: chr1-158612645-T-C.
Other names: short protein forms T1522A.
Identifiers: ClinVar variation 292983 (VCV000292983.36), dbSNP rs201910178, ClinGen allele CA1182657.

ClinVar aggregate classification (germline): Conflicting classifications of pathogenicity. Review status: criteria provided, conflicting classifications (1 of 4 stars). 10 submissions from 8 submitters: Uncertain significance (8); Benign (1). 1 of the submissions does not count toward it. Last evaluated 2026-01-03.

Conditions:
SPTA1-related disorder. Also called: SPTA1-related disorders; SPTA1-related condition.
Hereditary spherocytosis type 3. Also called: SPTA1-Related Spherocytosis; Spherocytosis type 3. Identifiers: Orphanet 822, MedGen C2678338, MONDO:0010053, OMIM 270970.
Elliptocytosis 2 (EL2). Also called: ELLIPTOCYTOSIS, RHESUS-UNLINKED TYPE. Identifiers: Orphanet 288, MedGen C1851741, MONDO:0007533, OMIM 130600.
Pyropoikilocytosis, hereditary. Also called: Pyropoikilocytosis. Identifiers: MedGen C0520739, MONDO:0009948, OMIM 266140, HP:0004839. Disease mechanism: loss of function.

Allele frequency attached by ClinVar (database versions not stated): ESP Exome Variant Server 0.00024; 1000 Genomes Project 30x 0.00031; 1000 Genomes Project 0.00040; gnomAD 0.00073 and 0.00075; TOPMed 0.00084.

Submissions (10):

Labcorp Genetics (formerly Invitae), Labcorp
Classification: Benign. Last evaluated: 2026-01-03. Review status: criteria provided, single submitter. Criteria: Invitae Variant Classification Sherloc (09022015). Collection method: clinical testing. Allele origin: germline.

Mayo Clinic Laboratories, Mayo Clinic
Classification: Uncertain significance. Last evaluated: 2025-07-30. Review status: criteria provided, single submitter. Criteria: ACMG Guidelines, 2015. Collection method: clinical testing. Allele origin: germline. Observed: 7 variant alleles.
Comment: BP4_moderate

CeGaT Center for Human Genetics Tuebingen
Classification: Uncertain significance. Last evaluated: 2025-05-01. Review status: criteria provided, single submitter. Criteria: CeGaT Center For Human Genetics Tuebingen Variant Classification Criteria Version 2. Collection method: clinical testing. Allele origin: germline. Affected: yes. Observed: 1 variant allele.
Comment: SPTA1: PM2, BP4

Blueprint Genetics
Classification: Uncertain significance. Last evaluated: 2024-11-12. Review status: criteria provided, single submitter. Criteria: ACMG Guidelines, 2015. Collection method: clinical testing. Allele origin: germline.

ARUP Laboratories, Molecular Genetics and Genomics, ARUP Laboratories
Classification: Uncertain significance. Last evaluated: 2024-09-04. Review status: criteria provided, single submitter. Criteria: ARUP Molecular Germline Variant Investigation Process 2024. Collection method: clinical testing. Allele origin: germline.
Comment: The SPTA1 c.4564A>G; p.Thr1522Ala variant (rs201910178), to our knowledge, is not reported in the medical literature but is reported in ClinVar (Variation ID: 292983). This variant is found in the general population with an overall allele frequency of 0.08% (218/280,612 alleles) in the Genome Aggregation Database (v2.1.1). Computational analyses predict that this variant is neutral (0.063). While the high population frequency suggests this is likely a benign variant, given the lack of clinical and functional data, the significance of this variant is uncertain at this time.

Illumina Laboratory Services, Illumina
Classification: Uncertain significance for Hereditary spherocytosis type 3. Last evaluated: 2018-01-13. Review status: criteria provided, single submitter. Criteria: ICSL Variant Classification Criteria 13 December 2019. Collection method: clinical testing. Allele origin: germline.

Illumina Laboratory Services, Illumina
Classification: Uncertain significance for Pyropoikilocytosis, hereditary. Last evaluated: 2018-01-13. Review status: criteria provided, single submitter. Criteria: ICSL Variant Classification Criteria 13 December 2019. Collection method: clinical testing. Allele origin: germline.

Illumina Laboratory Services, Illumina
Classification: Uncertain significance for Elliptocytosis 2. Last evaluated: 2018-01-13. Review status: criteria provided, single submitter. Criteria: ICSL Variant Classification Criteria 13 December 2019. Collection method: clinical testing. Allele origin: germline.

Breakthrough Genomics
Classification: Uncertain significance. Review status: criteria provided, single submitter. Criteria: ACMG Guidelines, 2015. Collection method: not provided. Allele origin: germline. Inheritance: Autosomal recessive inheritance. Affected: yes.

PreventionGenetics, part of Exact Sciences
Classification: Likely benign for SPTA1-related condition. Last evaluated: 2022-09-21. Review status: no assertion criteria provided. Collection method: clinical testing. Allele origin: germline. Not counted in ClinVar's aggregate classification.
Comment: This variant is classified as likely benign based on ACMG/AMP sequence variant interpretation guidelines (Richards et al. 2015 PMID: 25741868, with internal and published modifications).

Literature cited by the submitters: PubMed 35845192 (cited by Mayo Clinic Laboratories, Mayo Clinic).